The following is an entry in ClinVar:

ClinVar aggregate classification (germline): not provided (0 of 4 stars; one submission).

Conditions:
Uterine leiomyoma (UL). Also called: Uterine corpus leiomyoma. Identifiers: MedGen C0042133, MONDO:0007886, OMIM 150699, HP:0000131.

Submission:

Rajkovic Lab, University of Pittsburgh
No classification provided. Condition: Leiomyoma, uterine. Review status: no classification provided. Collection method: not provided. Allele origin: somatic.
ClinVar note: Converted during submission from Associated with leiomyomas to not provided.

NM_005120.3(MED12):c.111_155del (p.Ala38_Ser52del)

Gene: MED12 (mediator complex subunit 12; plus strand). Cytogenetic location: Xq13.1.
Variant type: Deletion.
Coding change: c.111_155del on transcript NM_005120.3 (MANE Select); coding-DNA positions 111 to 155, 45 bases deleted.
Protein change: p.Ala38_Ser52del.
Molecular consequence: inframe deletion.
Genome position (GRCh38, 1-based): chrX:71,119,384-71,119,428, 45 bases deleted; deleting any 45 consecutive bases within chrX:71,119,383-71,119,428 gives the same sequence; the c. name uses the placement nearest the transcript's 3' end. GRCh37 (hg19): chrX:70,339,234-70,339,278.
Identifiers: ClinVar variation 92203 (VCV000092203.2), dbSNP rs199469681, ClinGen allele CA145535.